The following is an entry in ClinVar:

ClinVar aggregate classification (germline): Conflicting classifications of pathogenicity. Review status: criteria provided, conflicting classifications (1 of 4 stars). 3 submissions from 3 submitters: Uncertain significance (2); Likely benign (1). Last evaluated 2025-08-25.

Conditions:
Familial hypobetalipoproteinemia 1. Also called: Hypobetalipoproteinemia, normotriglyceridemic; Acanthocytosis with hypobetalipoproteinemia; APOB-Related Familial Hypobetalipoproteinemia. Identifiers: MedGen C4551990, MONDO:0014252, OMIM 615558.
Hypercholesterolemia, autosomal dominant, type B (FHCL2). Also called: Familial hypercholesterolemia 2; Familial Hypercholesterolemia Type B; APOLIPOPROTEIN B-100, FAMILIAL DEFECTIVE; APOLIPOPROTEIN B-100, FAMILIAL LIGAND-DEFECTIVE; HYPERCHOLESTEROLEMIA, FAMILIAL, DUE TO LIGAND-DEFECTIVE APOLIPOPROTEIN B; Hyperlipoproteinemia Type IIb. Identifiers: MedGen C1704417, MONDO:0007751, OMIM 144010.

Allele frequency attached by ClinVar (database versions not stated): TOPMed below 0.00001; gnomAD 0.00001; gnomAD exomes 0.00001; ExAC 0.00002.
gnomAD v4.1: 9 of 1,613,814 alleles (0.00056%); highest among the groups gnomAD compares: Middle Eastern, 0.016%; no homozygotes.

Submissions (3):

Labcorp Genetics (formerly Invitae), Labcorp
Classification: Likely benign for Familial hypobetalipoproteinemia 1; Hypercholesterolemia, autosomal dominant, type B. Last evaluated: 2025-08-25. Review status: criteria provided, single submitter. Criteria: Invitae Variant Classification Sherloc (09022015). Collection method: clinical testing. Allele origin: germline.

GeneDx
Classification: Uncertain significance. Last evaluated: 2025-03-24. Review status: criteria provided, single submitter. Criteria: GeneDx Variant Classification Process June 2021. Collection method: clinical testing. Allele origin: germline. Affected: yes.
Comment: Not observed at significant frequency in large population cohorts (gnomAD); In silico analysis supports that this missense variant has a deleterious effect on protein structure/function; Has not been previously published as pathogenic or benign to our knowledge

Quest Diagnostics Nichols Institute San Juan Capistrano
Classification: Uncertain significance. Last evaluated: 2024-05-23. Review status: criteria provided, single submitter. Criteria: Quest Diagnostics criteria. Collection method: clinical testing. Allele origin: unknown.

NM_000384.3(APOB):c.1309C>T (p.Arg437Cys)

Gene: APOB (apolipoprotein B; minus strand). Cytogenetic location: 2p24.1.
Variant type: single nucleotide variant.
Coding change: c.1309C>T on transcript NM_000384.3 (MANE Select); coding-DNA position 1309, C replaced by T.
Protein change: p.Arg437Cys; replaces arginine 437 with cysteine.
Molecular consequence: missense variant.
Genome position (GRCh38, 1-based): chr2:21,032,397, G>A on the plus strand (C>T on the coding strand, the complement: APOB is on the minus strand). VCF-style: chr2-21032397-G-A. GRCh37 (hg19) VCF-style: chr2-21255269-G-A.
Other names: short protein forms R437C.
Identifiers: ClinVar variation 3572067 (VCV003572067.4), dbSNP rs776786681.